The following is an entry in ClinVar:

NM_001354483.2(CSGALNACT1):c.1354C>T (p.His452Tyr)

Gene: CSGALNACT1 (chondroitin sulfate N-acetylgalactosaminyltransferase 1; minus strand). Cytogenetic location: 8p21.3.
Variant type: single nucleotide variant.
Coding change: c.1354C>T on transcript NM_001354483.2 (MANE Select); coding-DNA position 1354, C replaced by T.
Protein change: p.His452Tyr; replaces histidine 452 with tyrosine.
Molecular consequence: missense variant. On other transcripts: non-coding transcript variant (7).
Genome position (GRCh38, 1-based): chr8:19,406,025, G>A on the plus strand (C>T on the coding strand, the complement: CSGALNACT1 is on the minus strand). VCF-style: chr8-19406025-G-A. GRCh37 (hg19) VCF-style: chr8-19263536-G-A.
Other names: c.1354C>T, p.His452Tyr (NM_001130518.2, NM_001354475.2, NM_001354476.2 and 18 more transcripts); short protein forms H452Y.
Identifiers: ClinVar variation 1925787 (VCV001925787.5), dbSNP rs1387283423, ClinGen allele CA370459001.

ClinVar aggregate classification (germline): Uncertain significance (1 of 4 stars; one submission).

gnomAD v4.1: 2 of 1,614,190 alleles (0.00012%); highest among the groups gnomAD compares: Non-Finnish European, 0.00017%; no homozygotes.

Submission:

Labcorp Genetics (formerly Invitae), Labcorp
Classification: Uncertain significance. Last evaluated: 2022-10-13. Review status: criteria provided, single submitter. Criteria: Invitae Variant Classification Sherloc (09022015). Collection method: clinical testing. Allele origin: germline.
Comment: This sequence change replaces histidine, which is basic and polar, with tyrosine, which is neutral and polar, at codon 452 of the CSGALNACT1 protein (p.His452Tyr). This variant is present in population databases (no rsID available, gnomAD 0.0009%). This variant has not been reported in the literature in individuals affected with CSGALNACT1-related conditions. Advanced modeling of protein sequence and biophysical properties (such as structural, functional, and spatial information, amino acid conservation, physicochemical variation, residue mobility, and thermodynamic stability) performed at Invitae indicates that this missense variant is not expected to disrupt CSGALNACT1 protein function. In summary, the available evidence is currently insufficient to determine the role of this variant in disease. Therefore, it has been classified as a Variant of Uncertain Significance.